The following is an entry in ClinVar:

ClinVar aggregate classification (germline): Uncertain significance (1 of 4 stars; one submission).

Conditions:
Hereditary cancer-predisposing syndrome. Also called: Neoplastic Syndromes, Hereditary; Hereditary Cancer Syndrome; Tumor predisposition; Hereditary neoplastic syndrome. Identifiers: Orphanet 140162, MedGen C0027672, MeSH D009386, MONDO:0015356.

gnomAD v4.1: 1 of 1,603,290 alleles (0.000062%); highest among the groups gnomAD compares: Admixed American, 0.0017%; no homozygotes.

Submission:

Ambry Genetics
Classification: Uncertain significance for Hereditary cancer-predisposing syndrome. Last evaluated: 2025-02-14. Review status: criteria provided, single submitter. Criteria: Ambry Variant Classification Scheme 2023. Collection method: clinical testing. Allele origin: germline.
Comment: The p.M904I variant (also known as c.2712G>C), located in coding exon 26 of the RB1 gene, results from a G to C substitution at nucleotide position 2712. The methionine at codon 904 is replaced by isoleucine, an amino acid with highly similar properties. This amino acid position is conserved. In addition, the in silico prediction for this alteration is inconclusive. Based on the available evidence, the clinical significance of this variant remains unclear.

NM_000321.3(RB1):c.2712G>C (p.Met904Ile)

Gene: RB1 (RB transcriptional corepressor 1; plus strand). Cytogenetic location: 13q14.2.
Variant type: single nucleotide variant.
Coding change: c.2712G>C on transcript NM_000321.3 (MANE Select); coding-DNA position 2712, G replaced by C.
Protein change: p.Met904Ile; replaces methionine 904 with isoleucine.
Molecular consequence: missense variant.
Genome position (GRCh38, 1-based): chr13:48,477,403, G>C. VCF-style: chr13-48477403-G-C. GRCh37 (hg19) VCF-style: chr13-49051539-G-C.
Other names: c.2712G>C, p.Met904Ile (NM_001407165.1); c.162G>C, p.Met54Ile (NM_001407168.1); short protein forms M54I, M904I.
Identifiers: ClinVar variation 3787288 (VCV003787288.1).